The following is an entry in ClinVar:

NM_001203.3(BMPR1B):c.899C>T (p.Ser300Leu)

Gene: BMPR1B (bone morphogenetic protein receptor type 1B; plus strand). Cytogenetic location: 4q22.3.
Variant type: single nucleotide variant.
Coding change: c.899C>T on transcript NM_001203.3 (MANE Select); coding-DNA position 899, C replaced by T.
Protein change: p.Ser300Leu; replaces serine 300 with leucine.
Molecular consequence: missense variant.
Genome position (GRCh38, 1-based): chr4:95,131,335, C>T. VCF-style: chr4-95131335-C-T. GRCh37 (hg19) VCF-style: chr4-96052486-C-T.
Other names: c.899C>T, p.Ser300Leu (NM_001256792.2, NM_001256794.1); c.989C>T, p.Ser330Leu (NM_001256793.2); short protein forms S300L, S330L.
Identifiers: ClinVar variation 2926996 (VCV002926996.3), dbSNP rs2530244273, ClinGen allele CA357682161.

ClinVar aggregate classification (germline): Uncertain significance (1 of 4 stars; one submission).

Conditions:
Type A2 brachydactyly (BDA2). Also called: MOHR-WRIEDT TYPE BRACHYDACTYLY; Brachymesophalangy type 2; BRACHYMESOPHALANGY II. Identifiers: Orphanet 93396, MedGen C1832702, MONDO:0007216, OMIM 112600, HP:0009372.
Acromesomelic dysplasia 3 (AMD3). Also called: CHONDRODYSPLASIA, ACROMESOMELIC, WITH OR WITHOUT GENITAL ANOMALIES; Acromesomelic dysplasia, Demirhan type. Identifiers: MedGen C4225404, MONDO:0012274, OMIM 609441.

Submission:

Labcorp Genetics (formerly Invitae), Labcorp
Classification: Uncertain significance for Type A2 brachydactyly; Acromesomelic dysplasia 3. Last evaluated: 2023-10-22. Review status: criteria provided, single submitter. Criteria: Invitae Variant Classification Sherloc (09022015). Collection method: clinical testing. Allele origin: germline.
Comment: This sequence change replaces serine, which is neutral and polar, with leucine, which is neutral and non-polar, at codon 300 of the BMPR1B protein (p.Ser300Leu). This variant is not present in population databases (gnomAD no frequency). This variant has not been reported in the literature in individuals affected with BMPR1B-related conditions. Advanced modeling of protein sequence and biophysical properties (such as structural, functional, and spatial information, amino acid conservation, physicochemical variation, residue mobility, and thermodynamic stability) performed at Invitae indicates that this missense variant is not expected to disrupt BMPR1B protein function. In summary, the available evidence is currently insufficient to determine the role of this variant in disease. Therefore, it has been classified as a Variant of Uncertain Significance.